The following is an entry in ClinVar:

NM_024675.4(PALB2):c.2453T>G (p.Phe818Cys)

Gene: PALB2 (partner and localizer of BRCA2; minus strand). Cytogenetic location: 16p12.2.
Variant type: single nucleotide variant.
Coding change: c.2453T>G on transcript NM_024675.4 (MANE Select); coding-DNA position 2453, T replaced by G.
Protein change: p.Phe818Cys; replaces phenylalanine 818 with cysteine.
Molecular consequence: missense variant. On other transcripts: intron variant (1).
Genome position (GRCh38, 1-based): chr16:23,629,701, A>C on the plus strand (T>G on the coding strand, the complement: PALB2 is on the minus strand). VCF-style: chr16-23629701-A-C. GRCh37 (hg19) VCF-style: chr16-23641022-A-C.
Other names: c.2453T>G, p.Phe818Cys (NM_001407297.1, NM_001407299.1, NM_001407298.1 and 3 more transcripts); c.1568T>G, p.Phe523Cys (NM_001407309.1, NM_001407310.1, NM_001407306.1 and 5 more transcripts); c.2393T>G, p.Phe798Cys (NM_001407296.1); c.665T>G, p.Phe222Cys (NM_001407312.1, NM_001407313.1); c.49-426T>G (NM_001407314.1); short protein forms F523C, F222C, F798C, F818C.
Identifiers: ClinVar variation 3885192 (VCV003885192.1).
Genomic context (GRCh38, chr16:23,629,701, plus strand): 5'-TGTTCGACGGAATGTTTATGCAGCTCCTGGCATGTGTTTCTACAGAGCTGATTTTCTTTA[A>C]AAGTGAATGACTCAATGGGTGGAGGTGTTCCTGGCGGGACAGAGTCACAGTCACAGGTAG-3'
Protein context (NP_078951.2, residues 808-828): GTPPPIESFT[Phe818Cys]KENQLCRNTC

ClinVar aggregate classification (germline): Uncertain significance (1 of 4 stars; one submission).

Conditions:
Hereditary cancer-predisposing syndrome. Also called: Tumor predisposition; Neoplastic Syndromes, Hereditary; Hereditary Cancer Syndrome; Hereditary neoplastic syndrome. Identifiers: Orphanet 140162, MedGen C0027672, MeSH D009386, MONDO:0015356.

Submission:

Ambry Genetics
Classification: Uncertain significance for Hereditary cancer-predisposing syndrome. Last evaluated: 2024-12-20. Review status: criteria provided, single submitter. Criteria: Ambry Variant Classification Scheme 2023. Collection method: clinical testing. Allele origin: germline.
Comment: The p.F818C variant (also known as c.2453T>G), located in coding exon 5 of the PALB2 gene, results from a T to G substitution at nucleotide position 2453. The phenylalanine at codon 818 is replaced by cysteine, an amino acid with highly dissimilar properties. This amino acid position is conserved. In addition, this alteration is predicted to be tolerated by in silico analysis. Based on the available evidence, the clinical significance of this variant remains unclear.